The following is an entry in ClinVar:

ClinVar aggregate classification (germline): Uncertain significance. Review status: criteria provided, multiple submitters, no conflicts (2 of 4 stars). 4 submissions from 4 submitters: Uncertain significance (4). Last evaluated 2025-08-04.

Conditions:
Arrhythmogenic cardiomyopathy with wooly hair and keratoderma. Also called: Arrhythmogenic cardiomyopathy with woolly hair and keratoderma; PALMOPLANTAR KERATODERMA WITH LEFT VENTRICULAR CARDIOMYOPATHY AND WOOLLY HAIR; Carvajal syndrome; Dilated cardiomyopathy with woolly hair and keratoderma. Identifiers: Orphanet 65282, MedGen C1854063, MONDO:0011581, OMIM 605676.
Arrhythmogenic right ventricular dysplasia 8 (ARVD8). Also called: Arrhythmogenic Right Ventricular Dysplasia/Cardiomyopathy 8; ARRHYTHMOGENIC RIGHT VENTRICULAR DYSPLASIA, FAMILIAL, 8; ARRHYTHMOGENIC RIGHT VENTRICULAR CARDIOMYOPATHY 8. Identifiers: MedGen C1843896, MONDO:0011831, OMIM 607450.
Cardiomyopathy (CMYO). Also called: Cardiomyopathies. Identifiers: Orphanet 167848, MedGen C0878544, MONDO:0004994, HP:0001638. Inheritance: Various modes of inheritance.

Allele frequency attached by ClinVar (database versions not stated): TOPMed below 0.00001.

Submissions (4):

Color Diagnostics, LLC DBA Color Health
Classification: Uncertain significance for Cardiomyopathy. Last evaluated: 2025-08-04. Review status: criteria provided, single submitter. Criteria: ACMG Guidelines, 2015. Collection method: clinical testing. Allele origin: germline.
Comment: This missense variant replaces lysine with asparagine at codon 2430 of the DSP protein. Computational prediction suggests that this variant may not impact protein structure and function. To our knowledge, functional studies have not been reported for this variant. This variant has not been reported in individuals affected with DSP-related disorders in the literature. This variant has not been identified in the general population by the Genome Aggregation Database (gnomAD). The available evidence is insufficient to determine the role of this variant in disease conclusively. Therefore, this variant is classified as a Variant of Uncertain Significance.

Labcorp Genetics (formerly Invitae), Labcorp
Classification: Uncertain significance for Arrhythmogenic cardiomyopathy with wooly hair and keratoderma; Arrhythmogenic right ventricular dysplasia 8. Last evaluated: 2023-10-10. Review status: criteria provided, single submitter. Criteria: Invitae Variant Classification Sherloc (09022015). Collection method: clinical testing. Allele origin: germline.
Comment: This sequence change replaces lysine, which is basic and polar, with asparagine, which is neutral and polar, at codon 2430 of the DSP protein (p.Lys2430Asn). This variant is not present in population databases (gnomAD no frequency). This variant has not been reported in the literature in individuals affected with DSP-related conditions. An algorithm developed to predict the effect of missense changes on protein structure and function (PolyPhen-2) suggests that this variant is likely to be disruptive. In summary, the available evidence is currently insufficient to determine the role of this variant in disease. Therefore, it has been classified as a Variant of Uncertain Significance.

GeneDx
Classification: Uncertain significance. Last evaluated: 2023-07-27. Review status: criteria provided, single submitter. Criteria: GeneDx Variant Classification Process June 2021. Collection method: clinical testing. Allele origin: germline. Affected: yes.
Comment: Not observed at significant frequency in large population cohorts (gnomAD); In silico analysis supports that this missense variant has a deleterious effect on protein structure/function; Has not been previously published as pathogenic or benign to our knowledge

All of Us Research Program, National Institutes of Health
Classification: Uncertain significance for Arrhythmogenic cardiomyopathy with wooly hair and keratoderma. Last evaluated: 2023-06-26. Review status: criteria provided, single submitter. Criteria: ACMG Guidelines, 2015. Collection method: clinical testing. Allele origin: germline. Inheritance: Autosomal dominant inheritance. Observed: 2 variant alleles, 2 heterozygotes.
Comment: This missense variant replaces lysine with asparagine at codon 2430 of the DSP protein. Computational prediction suggests that this variant may not impact protein structure and function (internally defined REVEL score threshold <= 0.5, PMID: 27666373). To our knowledge, functional studies have not been reported for this variant. This variant has not been reported in individuals affected with DSP-related disorders in the literature. This variant has not been identified in the general population by the Genome Aggregation Database (gnomAD). The available evidence is insufficient to determine the role of this variant in disease conclusively. Therefore, this variant is classified as a Variant of Uncertain Significance.

This study involves interpretation of variants in research participants for the purpose of population health screening. Participant phenotype was not available at the time of variant classification. Additional details can be found in publication PMID: 35346344, PMCID: PMC8962531

NM_004415.4(DSP):c.7290A>C (p.Lys2430Asn)

Gene: DSP (desmoplakin; plus strand). Cytogenetic location: 6p24.3.
Variant type: single nucleotide variant.
Coding change: c.7290A>C on transcript NM_004415.4 (MANE Select); coding-DNA position 7290, A replaced by C.
Protein change: p.Lys2430Asn; replaces lysine 2430 with asparagine.
Molecular consequence: missense variant.
Genome position (GRCh38, 1-based): chr6:7,584,552, A>C. VCF-style: chr6-7584552-A-C. GRCh37 (hg19) VCF-style: chr6-7584785-A-C.
Other names: c.5493A>C, p.Lys1831Asn (NM_001008844.3); c.5961A>C, p.Lys1987Asn (NM_001319034.2); short protein forms K2430N, K1987N, K1831N.
Identifiers: ClinVar variation 2935007 (VCV002935007.6), dbSNP rs1759565480, ClinGen allele CA362692669.